The following is an entry in ClinVar:

ClinVar aggregate classification (germline): Benign. Review status: criteria provided, multiple submitters, no conflicts (2 of 4 stars). 2 submissions from 2 submitters: Benign (2). Last evaluated 2018-01-12.

Conditions:
Progressive external ophthalmoplegia with mitochondrial DNA deletions, autosomal dominant 2. Also called: PROGRESSIVE EXTERNAL OPHTHALMOPLEGIA, AUTOSOMAL DOMINANT 2. Identifiers: MedGen C1836460, MONDO:0012238, OMIM 609283.

Allele frequency attached by ClinVar (database versions not stated): TOPMed 0.42203; gnomAD 0.42438 and 0.43411; 1000 Genomes Project 30x 0.45456; 1000 Genomes Project 0.46865; gnomAD exomes 0.57500.
gnomAD v4.1: 66,054 of 152,034 alleles (43%); highest among the groups gnomAD compares: East Asian, 73%; 15,873 homozygotes.

Submissions (2):

Illumina Laboratory Services, Illumina
Classification: Benign for Progressive external ophthalmoplegia with mitochondrial DNA deletions, autosomal dominant 2. Last evaluated: 2018-01-12. Review status: criteria provided, single submitter. Criteria: ICSL Variant Classification Criteria 13 December 2019. Collection method: clinical testing. Allele origin: germline.
Comment: This variant was observed in the ICSL laboratory as part of a predisposition screen in an ostensibly healthy population. It had not been previously curated by ICSL or reported in the Human Gene Mutation Database (HGMD: prior to June 1st, 2018), and was therefore a candidate for classification through an automated scoring system. Utilizing variant allele frequency, disease prevalence and penetrance estimates, and inheritance mode, an automated score was calculated to assess if this variant is too frequent to cause the disease. Based on the score and internal cut-off values, a variant classified as benign is not then subjected to further curation. The score for this variant resulted in a classification of benign for this disease.

Breakthrough Genomics
Classification: Benign. Review status: criteria provided, single submitter. Criteria: ACMG Guidelines, 2015. Collection method: not provided. Allele origin: germline. Inheritance: Autosomal recessive inheritance. Affected: yes.

NM_001151.4(SLC25A4):c.*2307T>C

Gene: SLC25A4 (solute carrier family 25 member 4; plus strand). Cytogenetic location: 4q35.1.
Variant type: single nucleotide variant.
Coding change: c.*2307T>C on transcript NM_001151.4 (MANE Select); 2307 bases downstream of the stop codon, T replaced by C.
Molecular consequence: 3 prime UTR variant.
Genome position (GRCh38, 1-based): chr4:185,149,278, T>C. VCF-style: chr4-185149278-T-C. GRCh37 (hg19) VCF-style: chr4-186070432-T-C.
Identifiers: ClinVar variation 348271 (VCV000348271.6), dbSNP rs2046535, ClinGen allele CA10620632.